The following is an entry in ClinVar:

ClinVar aggregate classification (germline): Likely pathogenic (1 of 4 stars; one submission).

Conditions:
Neurodevelopmental disorder with dysmorphic facies and distal limb anomalies. Identifiers: Orphanet 686482, MedGen C4540327, MONDO:0060596, OMIM 617755.

Submission:

3billion
Classification: Likely pathogenic for Neurodevelopmental disorder with dysmorphic facies and distal limb anomalies. Last evaluated: 2025-05-19. Review status: criteria provided, single submitter. Criteria: ACMG Guidelines, 2015. Collection method: clinical testing. Allele origin: germline. Affected: yes.
Comment: The variant is not observed in the gnomAD v4.1.0 dataset. Predicted Consequence/Location: Stop-gained (nonsense): predicted to result in a loss or disruption of normal protein function through nonsense-mediated decay (NMD) or protein truncation. Multiple pathogenic variants are reported downstream of the variant. Therefore, this variant is classified as Likely pathogenic according to the recommendation of ACMG/AMP guideline.

NM_182641.4(BPTF):c.3296C>A (p.Ser1099Ter)

Gene: BPTF (bromodomain PHD finger transcription factor; plus strand). Cytogenetic location: 17q24.2.
Variant type: single nucleotide variant.
Coding change: c.3296C>A on transcript NM_182641.4 (MANE Select); coding-DNA position 3296, C replaced by A.
Protein change: p.Ser1099Ter; replaces serine 1099 with a stop codon.
Molecular consequence: nonsense.
Genome position (GRCh38, 1-based): chr17:67,911,180, C>A. VCF-style: chr17-67911180-C-A. GRCh37 (hg19) VCF-style: chr17-65907296-C-A.
Other names: c.3485C>A, p.Ser1162Ter (NM_001439139.1, NM_001439141.1, NM_001439143.1 and 1 more transcripts); c.3674C>A, p.Ser1225Ter (NM_001439140.1, NM_001439142.1, NM_004459.7); short protein forms S1099*, S1162*, S1225*.
Identifiers: ClinVar variation 4855921 (VCV004855921.1).